The following is an entry in ClinVar:

NM_001267550.2(TTN):c.49048+4A>G

Genes: TTN-AS1 (TTN antisense RNA 1; plus strand), TTN (titin; minus strand), LOC126806426 (BRD4-independent group 4 enhancer GRCh37_chr2:179478848-179480047; plus strand). Cytogenetic location: 2q31.2.
Variant type: single nucleotide variant.
Coding change: c.49048+4A>G on transcript NM_001267550.2 (MANE Select); 4 bases into the intron after coding-DNA position 49048, A replaced by G.
Molecular consequence: intron variant. On other transcripts: non-coding transcript variant (1).
Genome position (GRCh38, 1-based): chr2:178,614,462, T>C on the plus strand (A>G on the coding strand, the complement: TTN is on the minus strand). VCF-style: chr2-178614462-T-C. GRCh37 (hg19) VCF-style: chr2-179479189-T-C.
Other names: c.21853+4A>G (NM_003319.4); c.22429+4A>G (NM_133437.4); c.22228+4A>G (NM_133432.3); c.41344+4A>G (NM_133378.4); c.44125+4A>G (NM_001256850.1).
Identifiers: ClinVar variation 534973 (VCV000534973.9), dbSNP rs766931932, ClinGen allele CA430273329.

ClinVar aggregate classification (germline): Uncertain significance (1 of 4 stars; one submission).

Conditions:
Autosomal recessive limb-girdle muscular dystrophy type 2J (LGMDR10). Also called: Limb-girdle muscular dystrophy, type 2J; MUSCULAR DYSTROPHY, LIMB-GIRDLE, AUTOSOMAL RECESSIVE 10. Identifiers: Orphanet 140922, MedGen C1837342, MONDO:0012127, OMIM 608807.
Dilated cardiomyopathy 1G (CMD1G). Identifiers: Orphanet 154, MedGen C1858763, MONDO:0011400, OMIM 604145.

Submission:

Labcorp Genetics (formerly Invitae), Labcorp
Classification: Uncertain significance for Dilated cardiomyopathy 1G; Autosomal recessive limb-girdle muscular dystrophy type 2J. Last evaluated: 2023-12-14. Review status: criteria provided, single submitter. Criteria: Invitae Variant Classification Sherloc (09022015). Collection method: clinical testing. Allele origin: germline.
Comment: This sequence change falls in intron 261 of the TTN gene. It does not directly change the encoded amino acid sequence of the TTN protein. It affects a nucleotide within the consensus splice site. This variant is not present in population databases (gnomAD no frequency). This variant has not been reported in the literature in individuals affected with TTN-related conditions. ClinVar contains an entry for this variant (Variation ID: 534973). Variants that disrupt the consensus splice site are a relatively common cause of aberrant splicing (PMID: 17576681, 9536098). Algorithms developed to predict the effect of sequence changes on RNA splicing suggest that this variant is not likely to affect RNA splicing. This variant is located in the A band of TTN (PMID: 25589632). Variants in this region may be relevant for cardiac or neuromuscular disorders (PMID: 25589632, 23975875). In summary, the available evidence is currently insufficient to determine the role of this variant in disease. Therefore, it has been classified as a Variant of Uncertain Significance.

Literature cited by the submitters: PubMed 17576681; PubMed 9536098; PubMed 25589632; PubMed 23975875.